The following is an entry in ClinVar:

NM_032578.4(MYPN):c.1790G>A (p.Arg597His)

Gene: MYPN (myopalladin; plus strand). Cytogenetic location: 10q21.3.
Variant type: single nucleotide variant.
Coding change: c.1790G>A on transcript NM_032578.4 (MANE Select); coding-DNA position 1790, G replaced by A.
Protein change: p.Arg597His; replaces arginine 597 with histidine.
Molecular consequence: missense variant. On other transcripts: non-coding transcript variant (2).
Genome position (GRCh38, 1-based): chr10:68,166,483, G>A. VCF-style: chr10-68166483-G-A. GRCh37 (hg19) VCF-style: chr10-69926240-G-A.
Other names: p.R597H:CGT>CAT; c.1790G>A, p.Arg597His (NM_001256267.2); c.908G>A, p.Arg303His (NM_001256268.2); short protein forms R597H, R303H.
Identifiers: ClinVar variation 192125 (VCV000192125.38), dbSNP rs150911078, ClinGen allele CA238419.

ClinVar aggregate classification (germline): Conflicting classifications of pathogenicity. Review status: criteria provided, conflicting classifications (1 of 4 stars). 14 submissions from 14 submitters: Uncertain significance (1); Benign (1); Likely benign (9). 3 of the submissions do not count toward it. Last evaluated 2026-02-01.

Conditions:
Cardiovascular phenotype. Identifiers: MedGen CN230736.
MYPN-related disorder. Also called: MYPN-related condition.
Dilated cardiomyopathy 1KK (CMD1KK). Identifiers: Orphanet 154, Orphanet 75249, MedGen C3714995, MONDO:0014100, OMIM 615248.
Cardiomyopathy (CMYO). Also called: Cardiomyopathies. Identifiers: Orphanet 167848, MedGen C0878544, MONDO:0004994, HP:0001638. Inheritance: Various modes of inheritance.

Allele frequency attached by ClinVar (database versions not stated): gnomAD exomes 0.00017 and 0.00039; ExAC 0.00045; ESP Exome Variant Server 0.00138; gnomAD 0.00148 and 0.00158; 1000 Genomes Project 0.00160; TOPMed 0.00173; 1000 Genomes Project 30x 0.00187.

Submissions (14):

Labcorp Genetics (formerly Invitae), Labcorp
Classification: Benign for Dilated cardiomyopathy 1KK. Last evaluated: 2026-02-01. Review status: criteria provided, single submitter. Criteria: Invitae Variant Classification Sherloc (09022015). Collection method: clinical testing. Allele origin: germline.

Mayo Clinic Laboratories, Mayo Clinic
Classification: Likely benign. Last evaluated: 2025-05-01. Review status: criteria provided, single submitter. Criteria: ACMG Guidelines, 2015. Collection method: clinical testing. Allele origin: germline. Observed: 5 variant alleles.
Comment: BS1, BP4_moderate

Blueprint Genetics
Classification: Likely benign. Last evaluated: 2024-07-02. Review status: criteria provided, single submitter. Criteria: ACMG Guidelines, 2015. Collection method: clinical testing. Allele origin: germline.

Women's Health and Genetics/Laboratory Corporation of America, LabCorp
Classification: Likely benign. Last evaluated: 2023-08-19. Review status: criteria provided, single submitter. Criteria: LabCorp Variant Classification Summary - May 2015. Collection method: clinical testing. Allele origin: germline.

GeneDx
Classification: Likely benign. Last evaluated: 2020-12-16. Review status: criteria provided, single submitter. Criteria: GeneDx Variant Classification Process June 2021. Collection method: clinical testing. Allele origin: germline. Affected: yes.

Center for Advanced Laboratory Medicine, UC San Diego Health, University of California San Diego
Classification: Likely benign for Cardiomyopathy. Last evaluated: 2019-01-22. Review status: criteria provided, single submitter. Criteria: ACMG Guidelines, 2015. Collection method: clinical testing. Allele origin: germline. Affected: yes. Observed: 1 variant allele.

Ambry Genetics
Classification: Likely benign for Cardiovascular phenotype. Last evaluated: 2017-12-26. Review status: criteria provided, single submitter. Criteria: Ambry Variant Classification Scheme 2023. Collection method: clinical testing. Allele origin: germline.

Eurofins Ntd Llc (ga)
Classification: Uncertain significance. Last evaluated: 2015-05-19. Review status: criteria provided, single submitter. Criteria: EGL Classification Definitions 2015. Collection method: clinical testing. Allele origin: germline. Observed: 3 variant alleles, 3 heterozygotes.

Laboratory for Molecular Medicine, Mass General Brigham Personalized Medicine
Classification: Likely benign. Last evaluated: 2015-05-06. Review status: criteria provided, single submitter. Criteria: LMM Criteria. Collection method: clinical testing. Allele origin: germline. Observed: 2 variant alleles.
Comment: p.Arg597His in exon 11 of MYPN: This variant is not expected to have clinical si gnificance because it has been identified in 0.4% (44/10402) of African chromoso mes by the Exome Aggregation Consortium (ExAC; d bSNP rs150911078).

Biesecker Lab/Clinical Genomics Section, National Institutes of Health
Classification: Likely benign. Last evaluated: 2013-06-24. Review status: criteria provided, single submitter. Criteria: Ng et al. (Circ Cardiovasc Genet. 2013). Collection method: research. Allele origin: unknown. Observed: 1 variant allele. Study: ClinSeq.
Comment: The study set was not selected for affection status in relation to any cancer. Pathogenicity categories were based on literature curation. See Pubmed ID:23861362 for details.

Medical sequencing

Molecular Diagnostic Laboratory for Inherited Cardiovascular Disease, Montreal Heart Institute
Classification: Likely benign. Review status: criteria provided, single submitter. Criteria: ACMG Guidelines, 2015. Collection method: clinical testing. Allele origin: germline. Affected: yes.

PreventionGenetics, part of Exact Sciences
Classification: Likely benign for MYPN-related condition. Last evaluated: 2021-11-14. Review status: no assertion criteria provided. Collection method: clinical testing. Allele origin: germline. Not counted in ClinVar's aggregate classification.
Comment: This variant is classified as likely benign based on ACMG/AMP sequence variant interpretation guidelines (Richards et al. 2015 PMID: 25741868, with internal and published modifications).

Clinical Genetics, Academic Medical Center
Classification: Benign. Review status: no assertion criteria provided. Collection method: clinical testing. Allele origin: germline. Affected: yes. Study: VKGL Data-share Consensus. Not counted in ClinVar's aggregate classification.

Joint Genome Diagnostic Labs from Nijmegen and Maastricht, Radboudumc and MUMC+
Classification: Likely benign. Review status: no assertion criteria provided. Collection method: clinical testing. Allele origin: germline. Affected: yes. Study: VKGL Data-share Consensus. Not counted in ClinVar's aggregate classification.